The following is an entry in ClinVar:

ClinVar aggregate classification (germline): Uncertain significance. Review status: criteria provided, multiple submitters, no conflicts (2 of 4 stars). 2 submissions from 2 submitters: Uncertain significance (2). Last evaluated 2024-01-18.

Conditions:
Hereditary cancer-predisposing syndrome. Also called: Neoplastic Syndromes, Hereditary; Tumor predisposition; Hereditary neoplastic syndrome; Hereditary Cancer Syndrome. Identifiers: Orphanet 140162, MedGen C0027672, MeSH D009386, MONDO:0015356.
Chuvash polycythemia. Also called: POLYCYTHEMIA, VHL-DEPENDENT. Identifiers: Orphanet 238557, MedGen C1837915, MONDO:0009892, OMIM 263400.
Von Hippel-Lindau syndrome (VHLS). Also called: von Hippel–Lindau syndrome; VHL syndrome; Von Hippel-Lindau. Identifiers: Orphanet 892, MedGen C0019562, MONDO:0008667, OMIM 193300. Disease mechanism: loss of function.

Submissions (2):

Labcorp Genetics (formerly Invitae), Labcorp
Classification: Uncertain significance for Von Hippel-Lindau syndrome; Chuvash polycythemia. Last evaluated: 2024-01-18. Review status: criteria provided, single submitter. Criteria: Invitae Variant Classification Sherloc (09022015). Collection method: clinical testing. Allele origin: germline.
Comment: This sequence change replaces glutamic acid, which is acidic and polar, with glycine, which is neutral and non-polar, at codon 31 of the VHL protein (p.Glu31Gly). This variant is not present in population databases (gnomAD no frequency). This variant has not been reported in the literature in individuals affected with VHL-related conditions. ClinVar contains an entry for this variant (Variation ID: 1766472). Advanced modeling of protein sequence and biophysical properties (such as structural, functional, and spatial information, amino acid conservation, physicochemical variation, residue mobility, and thermodynamic stability) performed at Invitae indicates that this missense variant is not expected to disrupt VHL protein function with a negative predictive value of 95%. In summary, the available evidence is currently insufficient to determine the role of this variant in disease. Therefore, it has been classified as a Variant of Uncertain Significance.

Ambry Genetics
Classification: Uncertain significance for Hereditary cancer-predisposing syndrome. Last evaluated: 2022-10-17. Review status: criteria provided, single submitter. Criteria: Ambry Variant Classification Scheme 2023. Collection method: clinical testing. Allele origin: germline.
Comment: The p.E31G variant (also known as c.92A>G), located in coding exon 1 of the VHL gene, results from an A to G substitution at nucleotide position 92. The glutamic acid at codon 31 is replaced by glycine, an amino acid with similar properties. In an algorithmic assessment of missense alteration severity in the VHL protein, the p.D9N alteration was considered to be low risk (Fields FR et al. PLoS One, 2020 Nov;15:e0234100). This amino acid position is well conserved in available vertebrate species. In addition, this alteration is predicted to be tolerated by in silico analysis. Since supporting evidence is limited at this time, the clinical significance of this alteration remains unclear.

Literature cited by the submitters: PubMed 33151962 (cited by Ambry Genetics).

NM_000551.4(VHL):c.92A>G (p.Glu31Gly)

Gene: VHL (von Hippel-Lindau tumor suppressor; plus strand). Cytogenetic location: 3p25.3.
Variant type: single nucleotide variant.
Coding change: c.92A>G on transcript NM_000551.4 (MANE Select); coding-DNA position 92, A replaced by G.
Protein change: p.Glu31Gly; replaces glutamic acid 31 with glycine.
Molecular consequence: missense variant.
Genome position (GRCh38, 1-based): chr3:10,141,939, A>G. VCF-style: chr3-10141939-A-G. GRCh37 (hg19) VCF-style: chr3-10183623-A-G.
Other names: c.92A>G, p.Glu31Gly (NM_001354723.2, NM_198156.3); short protein forms E31G.
Identifiers: ClinVar variation 1766472 (VCV001766472.5), dbSNP rs2125124677, ClinGen allele CA351747601.
Genomic context (GRCh38, chr3:10,141,939, plus strand): 5'-CCGAGGTAGGCGCGGAGGAGGCAGGCGTCGAAGAGTACGGCCCTGAAGAAGACGGCGGGG[A>G]GGAGTCGGGCGCCGAGGAGTCCGGCCCGGAAGAGTCCGGCCCGGAGGAACTGGGCGCCGA-3'
Protein context (NP_000542.1, residues 21-41): EEYGPEEDGG[Glu31Gly]ESGAEESGPE